The following is an entry in ClinVar:

ClinVar aggregate classification (germline): Uncertain significance (1 of 4 stars; one submission).

Allele frequency attached by ClinVar (database versions not stated): gnomAD 0.00001; TOPMed 0.00001.
gnomAD v4.1: 3 of 1,613,890 alleles (0.00019%); highest among the groups gnomAD compares: African/African-American, 0.0027%; no homozygotes.

Submission:

GeneDx
Classification: Uncertain significance. Last evaluated: 2023-11-30. Review status: criteria provided, single submitter. Criteria: GeneDx Variant Classification Process June 2021. Collection method: clinical testing. Allele origin: germline.
Comment: Not observed at significant frequency in large population cohorts (gnomAD); In silico analysis supports that this missense variant does not alter protein structure/function; Has not been previously published as pathogenic or benign to our knowledge

NM_018896.5(CACNA1G):c.5998C>G (p.Leu2000Val)

Gene: CACNA1G (calcium voltage-gated channel subunit alpha1 G; plus strand). Cytogenetic location: 17q21.33.
Variant type: single nucleotide variant.
Coding change: c.5998C>G on transcript NM_018896.5 (MANE Select); coding-DNA position 5998, C replaced by G.
Protein change: p.Leu2000Val; replaces leucine 2000 with valine.
Molecular consequence: missense variant. On other transcripts: intron variant (24).
Genome position (GRCh38, 1-based): chr17:50,621,732, C>G. VCF-style: chr17-50621732-C-G. GRCh37 (hg19) VCF-style: chr17-48699093-C-G.
Other names: c.5965C>G, p.Leu1989Val (NM_198377.3); c.5785C>G, p.Leu1929Val (NM_198383.3); c.5896C>G, p.Leu1966Val (NM_198396.3); c.5803-2175C>G (NM_001256325.2); c.5892+1906C>G (NM_198380.3); c.5749-2175C>G (NM_198378.3, NM_001256334.2); c.5925+1906C>G (NM_198385.3); c.5782-2175C>G (NM_198384.3, NM_001256333.2); and 15 more; short protein forms L1929V, L1966V, L1989V, L2000V.
Identifiers: ClinVar variation 1703381 (VCV001703381.3), dbSNP rs1435783304, ClinGen allele CA400268138.